The following is an entry in ClinVar:

ClinVar aggregate classification (germline): Likely pathogenic (1 of 4 stars; one submission).

Conditions:
Renal carnitine transport defect (CDSP). Also called: CARNITINE DEFICIENCY, SYSTEMIC, DUE TO DEFECT IN RENAL REABSORPTION OF CARNITINE; CARNITINE TRANSPORTER, PLASMA-MEMBRANE, DEFICIENCY OF; CARNITINE UPTAKE DEFECT; Primary carnitine deficiency; Systemic primary carnitine deficiency; Carnitine transporter deficiency. Identifiers: Orphanet 158, MedGen C0342788, MONDO:0008919, OMIM 212140.

Submission:

Labcorp Genetics (formerly Invitae), Labcorp
Classification: Likely pathogenic for Renal carnitine transport defect. Last evaluated: 2022-11-29. Review status: criteria provided, single submitter. Criteria: Invitae Variant Classification Sherloc (09022015). Collection method: clinical testing. Allele origin: germline.
Comment: In summary, the currently available evidence indicates that the variant is pathogenic, but additional data are needed to prove that conclusively. Therefore, this variant has been classified as Likely Pathogenic. This variant disrupts the p.Pro46 amino acid residue in SLC22A5. Other variant(s) that disrupt this residue have been determined to be pathogenic (PMID: 26828774, 28841266). This suggests that this residue is clinically significant, and that variants that disrupt this residue are likely to be disease-causing. Advanced modeling of protein sequence and biophysical properties (such as structural, functional, and spatial information, amino acid conservation, physicochemical variation, residue mobility, and thermodynamic stability) performed at Invitae indicates that this missense variant is expected to disrupt SLC22A5 protein function. This variant has not been reported in the literature in individuals affected with SLC22A5-related conditions. This variant is not present in population databases (gnomAD no frequency). This sequence change replaces proline, which is neutral and non-polar, with alanine, which is neutral and non-polar, at codon 46 of the SLC22A5 protein (p.Pro46Ala).

Literature cited by the submitters: PubMed 26828774; PubMed 28841266.

NM_003060.4(SLC22A5):c.136C>G (p.Pro46Ala)

Gene: SLC22A5 (solute carrier family 22 member 5; plus strand). Cytogenetic location: 5q31.1.
Variant type: single nucleotide variant.
Coding change: c.136C>G on transcript NM_003060.4 (MANE Select); coding-DNA position 136, C replaced by G.
Protein change: p.Pro46Ala; replaces proline 46 with alanine.
Molecular consequence: missense variant.
Genome position (GRCh38, 1-based): chr5:132,370,108, C>G. VCF-style: chr5-132370108-C-G. GRCh37 (hg19) VCF-style: chr5-131705800-C-G.
Other names: c.136C>G, p.Pro46Ala (NM_001308122.2); short protein forms P46A.
Identifiers: ClinVar variation 2916364 (VCV002916364.3), dbSNP rs202088921, ClinGen allele CA342616.